The following is an entry in ClinVar:

NM_001376.5(DYNC1H1):c.6222-9_6222-7del

Gene: DYNC1H1 (dynein cytoplasmic 1 heavy chain 1; plus strand). Cytogenetic location: 14q32.31.
Variant type: Microsatellite.
Coding change: c.6222-9_6222-7del on transcript NM_001376.5 (MANE Select); 9 bases into the intron before coding-DNA position 6222 through 7 bases into the intron before coding-DNA position 6222, 3 bases deleted (CTT; older notation c.6222-9_6222-7delCTT).
Molecular consequence: intron variant.
Genome position (GRCh38, 1-based): chr14:102,010,267-102,010,269, CTT deleted; deleting any 3 consecutive bases within chr14:102,010,262-102,010,269 gives the same sequence; the c. name uses the placement nearest the transcript's 3' end. VCF-style (leftmost placement, unchanged base first): chr14-102010261-TTTC-T. GRCh37 (hg19) VCF-style: chr14-102476598-TTTC-T.
Other names: c.6222-9_6222-7delCTT (NM_001376.4).
Identifiers: ClinVar variation 1203487 (VCV001203487.14), dbSNP rs747347010, ClinGen allele CA7352582.

ClinVar aggregate classification (germline): Benign/Likely benign. Review status: criteria provided, multiple submitters, no conflicts (2 of 4 stars). 3 submissions from 3 submitters: Benign (1); Likely benign (1). 1 of the submissions does not count toward it. Last evaluated 2026-02-03.

Conditions:
Charcot-Marie-Tooth disease axonal type 2O. Also called: CHARCOT-MARIE-TOOTH NEUROPATHY, AXONAL, TYPE 2O; CHARCOT-MARIE-TOOTH DISEASE, AXONAL, AUTOSOMAL DOMINANT, TYPE 2O; Charcot-Marie-Tooth disease, axonal, type 20; Charcot-Marie-Tooth Neuropathy Type 2O. Identifiers: Orphanet 284232, MedGen C3280220, MONDO:0013644, OMIM 614228.
DYNC1H1-related disorder. Also called: DYNC1H1-related disorders; DYNC1H1-related condition. Identifiers: MedGen CN381529.

Submissions (3):

Labcorp Genetics (formerly Invitae), Labcorp
Classification: Benign for Charcot-Marie-Tooth disease axonal type 2O. Last evaluated: 2026-02-03. Review status: criteria provided, single submitter. Criteria: Invitae Variant Classification Sherloc (09022015). Collection method: clinical testing. Allele origin: germline.

GeneDx
Classification: Likely benign. Last evaluated: 2022-12-11. Review status: criteria provided, single submitter. Criteria: GeneDx Variant Classification Process June 2021. Collection method: clinical testing. Allele origin: germline. Affected: yes.
Comment: See Variant Classification Assertion Criteria.

PreventionGenetics, part of Exact Sciences
Classification: Likely benign for DYNC1H1-related condition. Last evaluated: 2023-03-17. Review status: no assertion criteria provided. Collection method: clinical testing. Allele origin: germline. Not counted in ClinVar's aggregate classification.
Comment: This variant is classified as likely benign based on ACMG/AMP sequence variant interpretation guidelines (Richards et al. 2015 PMID: 25741868, with internal and published modifications).